The following is an entry in ClinVar:

ClinVar aggregate classification (germline): Uncertain significance (1 of 4 stars; one submission).

gnomAD v4.1: 15 of 1,614,028 alleles (0.00093%); highest among the groups gnomAD compares: Admixed American, 0.0017%; no homozygotes.

Submission:

Labcorp Genetics (formerly Invitae), Labcorp
Classification: Uncertain significance. Last evaluated: 2024-11-29. Review status: criteria provided, single submitter. Criteria: Invitae Variant Classification Sherloc (09022015). Collection method: clinical testing. Allele origin: germline.
Comment: This sequence change replaces arginine, which is basic and polar, with tryptophan, which is neutral and slightly polar, at codon 251 of the ACTN4 protein (p.Arg251Trp). This variant is present in population databases (no rsID available, gnomAD 0.01%). This missense change has been observed in individual(s) with clinical features of ACTN4-related condition (PMID: 35368817). Invitae Evidence Modeling of protein sequence and biophysical properties (such as structural, functional, and spatial information, amino acid conservation, physicochemical variation, residue mobility, and thermodynamic stability) has been performed for this missense variant. However, the output from this modeling did not meet the statistical confidence thresholds required to predict the impact of this variant on ACTN4 protein function. In summary, the available evidence is currently insufficient to determine the role of this variant in disease. Therefore, it has been classified as a Variant of Uncertain Significance.

Literature cited by the submitters: PubMed 35368817.

NM_004924.6(ACTN4):c.751C>T (p.Arg251Trp)

Gene: ACTN4 (actinin alpha 4; plus strand). Cytogenetic location: 19q13.2.
Variant type: single nucleotide variant.
Coding change: c.751C>T on transcript NM_004924.6 (MANE Select); coding-DNA position 751, C replaced by T.
Protein change: p.Arg251Trp; replaces arginine 251 with tryptophan.
Molecular consequence: missense variant. On other transcripts: intron variant (2).
Genome position (GRCh38, 1-based): chr19:38,710,274, C>T. VCF-style: chr19-38710274-C-T. GRCh37 (hg19) VCF-style: chr19-39200914-C-T.
Other names: c.733+798C>T (NM_001411143.1, NM_001322033.2); short protein forms R251W.
Identifiers: ClinVar variation 3711230 (VCV003711230.2).